The following is an entry in ClinVar:

NM_021098.3(CACNA1H):c.4984T>A (p.Phe1662Ile)

Gene: CACNA1H (calcium voltage-gated channel subunit alpha1 H; plus strand). Cytogenetic location: 16p13.3.
Variant type: single nucleotide variant.
Coding change: c.4984T>A on transcript NM_021098.3 (MANE Select); coding-DNA position 4984, T replaced by A.
Protein change: p.Phe1662Ile; replaces phenylalanine 1662 with isoleucine.
Molecular consequence: missense variant.
Genome position (GRCh38, 1-based): chr16:1,215,026, T>A. VCF-style: chr16-1215026-T-A. GRCh37 (hg19) VCF-style: chr16-1265026-T-A.
Other names: c.4966T>A, p.Phe1656Ile (NM_001005407.2); short protein forms F1656I, F1662I.
Identifiers: ClinVar variation 4788631 (VCV004788631.1).
Genomic context (GRCh38, chr16:1,215,026, plus strand): 5'-CCCCAGTCGCTGGACGAGGCCCTCAAGTACTGCAACTACGTCTTCACCATCGTGTTTGTC[T>A]TCGAGGCTGCACTGAAGCTGGTAGCATTTGGGTTCCGTCGGTTCTTCAAGGACAGGTGTG-3'
Protein context (NP_066921.2, residues 1652-1672): CNYVFTIVFV[Phe1662Ile]EAALKLVAFG

ClinVar aggregate classification (germline): Uncertain significance (1 of 4 stars; one submission).

Conditions:
Hyperaldosteronism, familial, type IV (HALD4). Also called: FH IV; ALDOSTERONISM, PRIMARY, AND HYPERTENSION. Identifiers: Orphanet 642671, MedGen C4310756, MONDO:0014875, OMIM 617027.
Idiopathic generalized epilepsy. Also called: Generalised epilepsy; EIG. Identifiers: MedGen C0270850, MONDO:0005579, OMIM 600669.

gnomAD v4.1: 1 of 1,613,082 alleles (0.000062%); highest among the groups gnomAD compares: Non-Finnish European, 0.000085%; no homozygotes.

Submission:

Labcorp Genetics (formerly Invitae), Labcorp
Classification: Uncertain significance for Idiopathic generalized epilepsy; Hyperaldosteronism, familial, type IV. Last evaluated: 2025-08-27. Review status: criteria provided, single submitter. Criteria: Invitae Variant Classification Sherloc (09022015). Collection method: clinical testing. Allele origin: germline.
Comment: This sequence change replaces phenylalanine, which is neutral and non-polar, with isoleucine, which is neutral and non-polar, at codon 1662 of the CACNA1H protein (p.Phe1662Ile). This variant is not present in population databases (gnomAD no frequency). This variant has not been reported in the literature in individuals affected with CACNA1H-related conditions. Invitae Evidence Modeling of protein sequence and biophysical properties (such as structural, functional, and spatial information, amino acid conservation, physicochemical variation, residue mobility, and thermodynamic stability) indicates that this missense variant is not expected to disrupt CACNA1H protein function with a negative predictive value of 80%. In summary, the available evidence is currently insufficient to determine the role of this variant in disease. Therefore, it has been classified as a Variant of Uncertain Significance.